The following is an entry in ClinVar:

NM_004656.4(BAP1):c.359A>G (p.Lys120Arg)

Gene: BAP1 (BRCA1 associated deubiquitinase 1; minus strand). Cytogenetic location: 3p21.1.
Variant type: single nucleotide variant.
Coding change: c.359A>G on transcript NM_004656.4 (MANE Select); coding-DNA position 359, A replaced by G.
Protein change: p.Lys120Arg; replaces lysine 120 with arginine.
Molecular consequence: missense variant.
Genome position (GRCh38, 1-based): chr3:52,407,974, T>C on the plus strand (A>G on the coding strand, the complement: BAP1 is on the minus strand). VCF-style: chr3-52407974-T-C. GRCh37 (hg19) VCF-style: chr3-52441990-T-C.
Other names: c.359A>G, p.Lys120Arg (NM_001410772.1); short protein forms K120R.
Identifiers: ClinVar variation 3260396 (VCV003260396.1).

ClinVar aggregate classification (germline): Uncertain significance (1 of 4 stars; one submission).

Conditions:
Hereditary cancer-predisposing syndrome. Also called: Hereditary Cancer Syndrome; Tumor predisposition; Hereditary neoplastic syndrome; Neoplastic Syndromes, Hereditary. Identifiers: Orphanet 140162, MedGen C0027672, MeSH D009386, MONDO:0015356.

Submission:

Ambry Genetics
Classification: Uncertain significance for Hereditary cancer-predisposing syndrome. Last evaluated: 2024-05-30. Review status: criteria provided, single submitter. Criteria: Ambry Variant Classification Scheme 2023. Collection method: clinical testing. Allele origin: germline.
Comment: The p.K120R variant (also known as c.359A>G), located in coding exon 5 of the BAP1 gene, results from an A to G substitution at nucleotide position 359. The lysine at codon 120 is replaced by arginine, an amino acid with highly similar properties. This amino acid position is conserved. In addition, this alteration is predicted to be tolerated by in silico analysis. Based on the available evidence, the clinical significance of this variant remains unclear.